The following is an entry in ClinVar:

NM_005458.8(GABBR2):c.2499G>T (p.Glu833Asp)

Gene: GABBR2 (gamma-aminobutyric acid type B receptor subunit 2; minus strand). Cytogenetic location: 9q22.33.
Variant type: single nucleotide variant.
Coding change: c.2499G>T on transcript NM_005458.8 (MANE Select); coding-DNA position 2499, G replaced by T.
Protein change: p.Glu833Asp; replaces glutamic acid 833 with aspartic acid.
Molecular consequence: missense variant.
Genome position (GRCh38, 1-based): chr9:98,299,267, C>A on the plus strand (G>T on the coding strand, the complement: GABBR2 is on the minus strand). VCF-style: chr9-98299267-C-A. GRCh37 (hg19) VCF-style: chr9-101061549-C-A.
Other names: short protein forms E833D.
Identifiers: ClinVar variation 3360265 (VCV003360265.1).

ClinVar aggregate classification (germline): Uncertain significance (1 of 4 stars; one submission).

Submission:

GeneDx
Classification: Uncertain significance. Last evaluated: 2023-06-27. Review status: criteria provided, single submitter. Criteria: GeneDx Variant Classification Process June 2021. Collection method: clinical testing. Allele origin: germline. Affected: yes.
Comment: Not observed at significant frequency in large population cohorts (gnomAD); In silico analysis supports that this missense variant does not alter protein structure/function; Has not been previously published as pathogenic or benign to our knowledge